The following is an entry in ClinVar:

NM_004055.5(CAPN5):c.1085C>G (p.Ala362Gly)

Gene: CAPN5 (calpain 5; plus strand). Cytogenetic location: 11q13.5.
Variant type: single nucleotide variant.
Coding change: c.1085C>G on transcript NM_004055.5 (MANE Select); coding-DNA position 1085, C replaced by G.
Protein change: p.Ala362Gly; replaces alanine 362 with glycine.
Molecular consequence: missense variant.
Genome position (GRCh38, 1-based): chr11:77,118,270, C>G. VCF-style: chr11-77118270-C-G. GRCh37 (hg19) VCF-style: chr11-76829316-C-G.
Other names: c.1085C>G (NM_004055.4); short protein forms A362G.
Identifiers: ClinVar variation 1363747 (VCV001363747.9), dbSNP rs782662986, ClinGen allele CA6196682.

ClinVar aggregate classification (germline): Uncertain significance. Review status: criteria provided, multiple submitters, no conflicts (2 of 4 stars). 2 submissions from 2 submitters: Uncertain significance (2). Last evaluated 2025-04-06.

Conditions:
Inborn genetic diseases. Identifiers: MedGen C0950123, MeSH D030342.

Allele frequency attached by ClinVar (database versions not stated): gnomAD exomes 0.00001 and 0.00002; ExAC 0.00003; gnomAD 0.00009; TOPMed 0.00010.
gnomAD v4.1: 21 of 1,613,940 alleles (0.0013%); highest among the groups gnomAD compares: African/African-American, 0.025%; no homozygotes.

Submissions (2):

Ambry Genetics
Classification: Uncertain significance for Inborn genetic diseases. Last evaluated: 2025-04-06. Review status: criteria provided, single submitter. Criteria: Ambry Variant Classification Scheme 2023. Collection method: clinical testing. Allele origin: germline.

Labcorp Genetics (formerly Invitae), Labcorp
Classification: Uncertain significance. Last evaluated: 2023-11-21. Review status: criteria provided, single submitter. Criteria: Invitae Variant Classification Sherloc (09022015). Collection method: clinical testing. Allele origin: germline.
Comment: This sequence change replaces alanine, which is neutral and non-polar, with glycine, which is neutral and non-polar, at codon 362 of the CAPN5 protein (p.Ala362Gly). This variant is present in population databases (rs782662986, gnomAD 0.03%). This variant has not been reported in the literature in individuals affected with CAPN5-related conditions. ClinVar contains an entry for this variant (Variation ID: 1363747). Advanced modeling of protein sequence and biophysical properties (such as structural, functional, and spatial information, amino acid conservation, physicochemical variation, residue mobility, and thermodynamic stability) performed at Invitae indicates that this missense variant is not expected to disrupt CAPN5 protein function with a negative predictive value of 80%. In summary, the available evidence is currently insufficient to determine the role of this variant in disease. Therefore, it has been classified as a Variant of Uncertain Significance.